The following is an entry in ClinVar:

NM_004646.4(NPHS1):c.2882G>A (p.Trp961Ter)

Gene: NPHS1 (NPHS1 adhesion molecule, nephrin; minus strand). Cytogenetic location: 19q13.12.
Variant type: single nucleotide variant.
Coding change: c.2882G>A on transcript NM_004646.4 (MANE Select); coding-DNA position 2882, G replaced by A.
Protein change: p.Trp961Ter; replaces tryptophan 961 with a stop codon.
Molecular consequence: nonsense.
Genome position (GRCh38, 1-based): chr19:35,839,541, C>T on the plus strand (G>A on the coding strand, the complement: NPHS1 is on the minus strand). VCF-style: chr19-35839541-C-T. GRCh37 (hg19) VCF-style: chr19-36330443-C-T.
Other names: short protein forms W961*.
Identifiers: ClinVar variation 2677315 (VCV002677315.3), dbSNP rs1202202990, ClinGen allele CA405386057.

ClinVar aggregate classification (germline): Likely pathogenic. Review status: criteria provided, multiple submitters, no conflicts (2 of 4 stars). 3 submissions from 3 submitters: Likely pathogenic (3). Last evaluated 2025-12-29.

Conditions:
Finnish congenital nephrotic syndrome (NPHS1). Also called: NEPHROTIC SYNDROME, TYPE 1. Identifiers: Orphanet 839, MedGen C0403399, MONDO:0009732, OMIM 256300.

Allele frequency attached by ClinVar (database versions not stated): TOPMed below 0.00001; gnomAD 0.00001.
gnomAD v4.1: 1 of 1,614,096 alleles (0.000062%); highest among the groups gnomAD compares: Non-Finnish European, 0.000085%; no homozygotes.

Submissions (3):

Natera, Inc.
Classification: Likely pathogenic for Finnish congenital nephrotic syndrome. Last evaluated: 2025-12-29. Review status: criteria provided, single submitter. Criteria: Natera Variant Classification Schema (03/2026). Collection method: clinical testing. Allele origin: germline.
Comment: The c.2882G>A variant in NPHS1 is a nonsense variant predicted to introduce a stop codon at amino acid 961. This variant is expected to result in nonsense mediated decay, truncation, or a dysfunctional protein product. This variant is rare in the general population with a frequency below the threshold expected for the associated phenotype(s). Given the available evidence, this variant is classified as Likely Pathogenic.

Fulgent Genetics
Classification: Likely pathogenic for Finnish congenital nephrotic syndrome. Last evaluated: 2024-04-29. Review status: criteria provided, single submitter. Criteria: ACMG Guidelines, 2015. Collection method: clinical testing. Allele origin: germline.

Baylor Genetics
Classification: Likely pathogenic for Finnish congenital nephrotic syndrome. Last evaluated: 2023-03-12. Review status: criteria provided, single submitter. Criteria: ACMG Guidelines, 2015. Collection method: clinical testing. Allele origin: unknown.